The following is an entry in ClinVar:

ClinVar aggregate classification (germline): Pathogenic/Likely pathogenic. Review status: criteria provided, multiple submitters, no conflicts (2 of 4 stars). 4 submissions from 4 submitters: Pathogenic (3); Likely pathogenic (1). Last evaluated 2025-12-16.

Conditions:
Megalencephalic leukoencephalopathy with subcortical cysts. Also called: VAN DER KNAAP DISEASE. Identifiers: Orphanet 2478, MedGen C1858854, MONDO:0011391.
Megalencephalic leukoencephalopathy with subcortical cysts 1 (MLC1). Also called: VACUOLATING MEGALENCEPHALIC LEUKOENCEPHALOPATHY WITH SUBCORTICAL CYSTS; LEUKOENCEPHALOPATHY WITH SWELLING AND CYSTS. Identifiers: Orphanet 2478, MedGen C5779875, MONDO:0024555, OMIM 604004.

Allele frequency attached by ClinVar (database versions not stated): gnomAD exomes below 0.00001.
gnomAD v4.1: 1 of 1,614,156 alleles (0.000062%); highest among the groups gnomAD compares: Non-Finnish European, 0.000085%; no homozygotes.

Submissions (4):

Natera, Inc.
Classification: Pathogenic for Megalencephalic leukoencephalopathy with subcortical cysts. Last evaluated: 2025-12-16. Review status: criteria provided, single submitter. Criteria: Natera Variant Classification Schema (03/2026). Collection method: clinical testing. Allele origin: germline.
Comment: The c.218G>A variant in MLC1 is a missense variant predicted to cause substitution of glycine to glutamic acid at amino acid 73. This variant is rare in the general population with a frequency below the threshold expected for the associated phenotype(s). This variant has been observed in one or more individuals affected with the associated recessive disease, as either homozygous or compound heterozygous with a second variant (PMID: 27322623, 21160490, 27779215). Given the available evidence, this variant is classified as Pathogenic.

Labcorp Genetics (formerly Invitae), Labcorp
Classification: Pathogenic. Last evaluated: 2025-11-06. Review status: criteria provided, single submitter. Criteria: Invitae Variant Classification Sherloc (09022015). Collection method: clinical testing. Allele origin: germline.
Comment: This sequence change replaces glycine, which is neutral and non-polar, with glutamic acid, which is acidic and polar, at codon 73 of the MLC1 protein (p.Gly73Glu). This variant is not present in population databases (gnomAD no frequency). This missense change has been observed in individual(s) with megalencephalic leukoencephalopathy with subcortical cysts (PMID: 21160490, 27322623). In at least one individual the data is consistent with being in trans (on the opposite chromosome) from a pathogenic variant. ClinVar contains an entry for this variant (Variation ID: 646457). Invitae Evidence Modeling of protein sequence and biophysical properties (such as structural, functional, and spatial information, amino acid conservation, physicochemical variation, residue mobility, and thermodynamic stability) indicates that this missense variant is not expected to disrupt MLC1 protein function with a negative predictive value of 80%. Experimental studies have shown that this missense change affects MLC1 function (PMID: 27322623). This variant disrupts the p.Gly73 amino acid residue in MLC1. Other variant(s) that disrupt this residue have been determined to be pathogenic (PMID: 25919557). This suggests that this residue is clinically significant, and that variants that disrupt this residue are likely to be disease-causing. For these reasons, this variant has been classified as Pathogenic.

Baylor Genetics
Classification: Pathogenic for Megalencephalic leukoencephalopathy with subcortical cysts 1. Last evaluated: 2023-11-16. Review status: criteria provided, single submitter. Criteria: ACMG Guidelines, 2015. Collection method: clinical testing. Allele origin: unknown.

Juno Genomics, Hangzhou Juno Genomics, Inc
Classification: Likely pathogenic for Megalencephalic leukoencephalopathy with subcortical cysts 1. Review status: criteria provided, single submitter. Criteria: ACMG Guidelines, 2015. Collection method: clinical testing. Allele origin: germline.
Comment: Absent from controls (or at extremely low frequency if recessive) in Genome Aggregation Database.;Well-established in vitro or in vivo functional studies supportive of a damaging effect on the gene or gene product.;For recessive disorders, detected in trans with a pathogenic variant.;Patient's phenotype or family history is highly specific for a disease with a single genetic etiology.

Literature cited by the submitters: PubMed 27322623 (cited by Natera, Inc. and Labcorp Genetics (formerly Invitae), Labcorp); PubMed 21160490 (cited by Natera, Inc. and Labcorp Genetics (formerly Invitae), Labcorp); PubMed 27779215 (cited by Natera, Inc.); PubMed 25919557 (cited by Labcorp Genetics (formerly Invitae), Labcorp).

NM_015166.4(MLC1):c.218G>A (p.Gly73Glu)

Genes: MLC1 (modulator of VRAC current 1; minus strand), LOC125446261 (Sharpr-MPRA regulatory region 9327; plus strand). Cytogenetic location: 22q13.33.
Variant type: single nucleotide variant.
Coding change: c.218G>A on transcript NM_015166.4 (MANE Select); coding-DNA position 218, G replaced by A.
Protein change: p.Gly73Glu; replaces glycine 73 with glutamic acid.
Molecular consequence: missense variant. On other transcripts: 5 prime UTR variant (1), non-coding transcript variant (3), intron variant (1).
Genome position (GRCh38, 1-based): chr22:50,083,133, C>T on the plus strand (G>A on the coding strand, the complement: MLC1 is on the minus strand). VCF-style: chr22-50083133-C-T. GRCh37 (hg19) VCF-style: chr22-50521562-C-T.
Other names: c.218G>A, p.Gly73Glu (NM_001376472.1, NM_001376473.1, NM_001376474.1 and 9 more transcripts); c.-20G>A (NM_001376484.1); c.177+1593G>A (NM_001376480.1); short protein forms G73E.
Identifiers: ClinVar variation 646457 (VCV000646457.14), dbSNP rs1602063709, ClinGen allele CA412111628.
Genomic context (GRCh38, chr22:50,083,133, plus strand): 5'-AAGCTGCTTACAGAGCCTGCAGCACAGCGCAAGTAATCCATCTCAGCCGGGAACACGTTC[C>T]CCAGGTACAGCGAAAACCCCGAGGTCACCAGGAGGCAGCTCTGCAAGACAGCGACAGAAT-3'
Protein context (NP_055981.1, residues 63-83): LVTSGFSLYL[Gly73Glu]NVFPAEMDYL